The following is an entry in ClinVar:

NM_000059.4(BRCA2):c.4099A>G (p.Lys1367Glu)

Gene: BRCA2 (BRCA2 DNA repair associated; plus strand). Cytogenetic location: 13q13.1.
Variant type: single nucleotide variant.
Coding change: c.4099A>G on transcript NM_000059.4 (MANE Select); coding-DNA position 4099, A replaced by G.
Protein change: p.Lys1367Glu; replaces lysine 1367 with glutamic acid.
Molecular consequence: missense variant. On other transcripts: non-coding transcript variant (1), intron variant (2).
Genome position (GRCh38, 1-based): chr13:32,338,454, A>G. VCF-style: chr13-32338454-A-G. GRCh37 (hg19) VCF-style: chr13-32912591-A-G.
Other names: c.4099A>G, p.Lys1367Glu (NM_001406719.1, NM_001406720.1, NM_001432077.1); c.1909+5067A>G (NM_001406721.1); c.425-6104A>G (NM_001406722.1); short protein forms K1367E.
Identifiers: ClinVar variation 4867823 (VCV004867823.1).

ClinVar aggregate classification (germline): Uncertain significance (1 of 4 stars; one submission).

Conditions:
Hereditary cancer-predisposing syndrome. Also called: Neoplastic Syndromes, Hereditary; Tumor predisposition; Hereditary Cancer Syndrome; Hereditary neoplastic syndrome. Identifiers: Orphanet 140162, MedGen C0027672, MeSH D009386, MONDO:0015356.

Submission:

Ambry Genetics
Classification: Uncertain significance for Hereditary cancer-predisposing syndrome. Last evaluated: 2026-04-12. Review status: criteria provided, single submitter. Criteria: Ambry Variant Classification Scheme 2023. Collection method: clinical testing. Allele origin: germline.
Comment: The p.K1367E variant (also known as c.4099A>G), located in coding exon 10 of the BRCA2 gene, results from an A to G substitution at nucleotide position 4099. The lysine at codon 1367 is replaced by glutamic acid, an amino acid with similar properties. This amino acid position is conserved. In addition, this alteration is predicted to be tolerated by in silico analysis. Based on the available evidence, the clinical significance of this variant remains unclear.